The following is an entry in ClinVar:

ClinVar aggregate classification (germline): Likely benign (0 of 4 stars; one submission).

Conditions:
NUP85-related disorder. Also called: NUP85-related condition.

Allele frequency attached by ClinVar (database versions not stated): ESP Exome Variant Server 0.00023.
gnomAD v4.1: 52 of 1,613,810 alleles (0.0032%); highest among the groups gnomAD compares: African/African-American, 0.041%; no homozygotes.

Submission:

PreventionGenetics, part of Exact Sciences
Classification: Likely benign for NUP85-related condition. Last evaluated: 2019-07-15. Review status: no assertion criteria provided. Collection method: clinical testing. Allele origin: germline.
Comment: This variant is classified as likely benign based on ACMG/AMP sequence variant interpretation guidelines (Richards et al. 2015 PMID: 25741868, with internal and published modifications).

NM_024844.5(NUP85):c.1178+10C>T

Gene: NUP85 (nucleoporin 85; plus strand). Cytogenetic location: 17q25.1.
Variant type: single nucleotide variant.
Coding change: c.1178+10C>T on transcript NM_024844.5 (MANE Select); 10 bases into the intron after coding-DNA position 1178, C replaced by T.
Molecular consequence: intron variant.
Genome position (GRCh38, 1-based): chr17:75,231,433, C>T. VCF-style: chr17-75231433-C-T. GRCh37 (hg19) VCF-style: chr17-73227528-C-T.
Other names: c.1043+10C>T (NM_001330472.2); c.1040+10C>T (NM_001303276.2).
Identifiers: ClinVar variation 3049964 (VCV003049964.2), dbSNP rs375572023, ClinGen allele CA8758730.
Genomic context (GRCh38, chr17:75,231,433, plus strand): 5'-CCTGACAGACCTGCTGGACCACTGCAAGCTCCTCCAGTCACACAACCTCTAGTAAGTGGC[C>T]GGGAGGCACCGATCCTCCTCTTCTTACCACCAGGCCCCCGAGGGTGGTGTGAACTGAATG-3'